The following is an entry in ClinVar:

NM_201596.3(CACNB2):c.1445C>T (p.Thr482Ile)

Gene: CACNB2 (calcium voltage-gated channel auxiliary subunit beta 2; plus strand). Cytogenetic location: 10p12.31.
Variant type: single nucleotide variant.
Coding change: c.1445C>T on transcript NM_201596.3 (MANE Select); coding-DNA position 1445, C replaced by T.
Protein change: p.Thr482Ile; replaces threonine 482 with isoleucine.
Molecular consequence: missense variant.
Genome position (GRCh38, 1-based): chr10:18,538,322, C>T. VCF-style: chr10-18538322-C-T. GRCh37 (hg19) VCF-style: chr10-18827251-C-T.
Other names: c.1280C>T, p.Thr427Ile (NM_000724.4); c.1247C>T, p.Thr416Ile (NM_001167945.2); c.1166C>T, p.Thr389Ile (NM_001330060.2); c.1187C>T, p.Thr396Ile (NM_001410882.1); c.1301C>T, p.Thr434Ile (NM_201570.3); c.1361C>T, p.Thr454Ile (NM_201571.4); c.1289C>T, p.Thr430Ile (NM_201572.4); c.1283C>T, p.Thr428Ile (NM_201590.3); and 2 more; short protein forms T482I, T416I, T458I, T396I, T430I, T454I, T389I, T427I.
Identifiers: ClinVar variation 1768450 (VCV001768450.3), dbSNP rs2494879992, ClinGen allele CA376070560.

ClinVar aggregate classification (germline): Uncertain significance (1 of 4 stars; one submission).

Conditions:
Cardiovascular phenotype. Identifiers: MedGen CN230736.

Submission:

Ambry Genetics
Classification: Uncertain significance for Cardiovascular phenotype. Last evaluated: 2023-06-21. Review status: criteria provided, single submitter. Criteria: Ambry Variant Classification Scheme 2023. Collection method: clinical testing. Allele origin: germline.
Comment: The p.T428I variant (also known as c.1283C>T), located in coding exon 12 of the CACNB2 gene, results from a C to T substitution at nucleotide position 1283. The threonine at codon 428 is replaced by isoleucine, an amino acid with similar properties. This amino acid position is well conserved in available vertebrate species. In addition, the in silico prediction for this alteration is inconclusive. Since supporting evidence is limited at this time, the clinical significance of this alteration remains unclear.